The following is an entry in ClinVar:

ClinVar aggregate classification (germline): Benign. Review status: criteria provided, multiple submitters, no conflicts (2 of 4 stars). 6 submissions from 5 submitters: Benign (5). 1 of the submissions does not count toward it. Last evaluated 2026-01-08.

Conditions:
Melnick-Fraser syndrome (BOR). Also called: Branchio-oto-renal syndrome; Branchiootorenal Syndrome (BORS); Branchiootorenal syndrome. Identifiers: Orphanet 107, MedGen C0265234, MONDO:0007029.
Branchiootic syndrome 1 (BOS1). Also called: BO SYNDROME 1; BRANCHIOOTIC DYSPLASIA. Identifiers: MedGen C1865143, MONDO:0011258, OMIM 602588.
Otofaciocervical syndrome 1 (OTFCS). Identifiers: MedGen C3714941, MONDO:0024532, OMIM 166780.

Allele frequency attached by ClinVar (database versions not stated): ESP Exome Variant Server 0.00031; gnomAD 0.00069; TOPMed 0.00105; 1000 Genomes Project 30x 0.00437; 1000 Genomes Project 0.00479.
gnomAD v4.1: 1,040 of 1,614,064 alleles (0.064%); highest among the groups gnomAD compares: East Asian, 1.8%; 12 homozygotes.

Submissions (6):

Labcorp Genetics (formerly Invitae), Labcorp
Classification: Benign for Melnick-Fraser syndrome. Last evaluated: 2026-01-08. Review status: criteria provided, single submitter. Criteria: Invitae Variant Classification Sherloc (09022015). Collection method: clinical testing. Allele origin: germline.

GeneDx
Classification: Benign. Last evaluated: 2019-12-27. Review status: criteria provided, single submitter. Criteria: GeneDx Variant Classification Process June 2021. Collection method: clinical testing. Allele origin: germline. Affected: yes.
Comment: This variant is associated with the following publications: (PMID: 24429398)

Illumina Laboratory Services, Illumina
Classification: Benign for Otofaciocervical syndrome 1. Last evaluated: 2018-01-13. Review status: criteria provided, single submitter. Criteria: ICSL Variant Classification Criteria 13 December 2019. Collection method: clinical testing. Allele origin: germline.
Comment: This variant was observed in the ICSL laboratory as part of a predisposition screen in an ostensibly healthy population. It had not been previously curated by ICSL or reported in the Human Gene Mutation Database (HGMD: prior to June 1st, 2018), and was therefore a candidate for classification through an automated scoring system. Utilizing variant allele frequency, disease prevalence and penetrance estimates, and inheritance mode, an automated score was calculated to assess if this variant is too frequent to cause the disease. Based on the score and internal cut-off values, a variant classified as benign is not then subjected to further curation. The score for this variant resulted in a classification of benign for this disease.

Illumina Laboratory Services, Illumina
Classification: Benign for Branchiootic syndrome. Last evaluated: 2018-01-13. Review status: criteria provided, single submitter. Criteria: ICSL Variant Classification Criteria 13 December 2019. Collection method: clinical testing. Allele origin: germline.
Comment: the same text as in the submission from Illumina Laboratory Services, Illumina above.

Laboratory for Molecular Medicine, Mass General Brigham Personalized Medicine
Classification: Benign. Last evaluated: 2012-05-07. Review status: criteria provided, single submitter. Criteria: LMM Criteria. Collection method: clinical testing. Allele origin: germline. Observed: 3 variant alleles.
Comment: Pro261Leu in Exon 08 of EYA1: This variant is not expected to have clinical sign ificance because it has been identified in 5.8% (7/120) of chromosomes from a po pulation in the dbSNP database (rs7782 5059).

Genetic Services Laboratory, University of Chicago
Classification: Benign. Last evaluated: 2022-11-23. Review status: no assertion criteria provided. Collection method: clinical testing. Allele origin: germline. Affected: no. Not counted in ClinVar's aggregate classification.

NM_000503.6(EYA1):c.782C>T (p.Pro261Leu)

Gene: EYA1 (EYA transcriptional coactivator and phosphatase 1; minus strand). Cytogenetic location: 8q13.3.
Variant type: single nucleotide variant.
Coding change: c.782C>T on transcript NM_000503.6 (MANE Select); coding-DNA position 782, C replaced by T.
Protein change: p.Pro261Leu; replaces proline 261 with leucine.
Molecular consequence: missense variant.
Genome position (GRCh38, 1-based): chr8:71,299,091, G>A on the plus strand (C>T on the coding strand, the complement: EYA1 is on the minus strand). VCF-style: chr8-71299091-G-A. GRCh37 (hg19) VCF-style: chr8-72211326-G-A.
Other names: c.764C>T, p.Pro255Leu (NM_001288574.2); c.416C>T, p.Pro139Leu (NM_001288575.2); c.869C>T, p.Pro290Leu (NM_001370333.1); c.782C>T, p.Pro261Leu (NM_001370334.1, NM_001370335.1, NM_172058.4); c.851C>T, p.Pro284Leu (NM_001370336.1); c.854C>T, p.Pro285Leu (NM_172059.5); short protein forms P261L, P255L, P285L, P290L, P139L, P284L.
Identifiers: ClinVar variation 363655 (VCV000363655.22), dbSNP rs77825059, ClinGen allele CA4779668.
Genomic context (GRCh38, chr8:71,299,091, plus strand): 5'-ATATTCACATAATTACCTGCTGTGGGATCTGTAACTGCTTGGCTGGTGATGCCAGATGGC[G>A]GTTCTTGAAGCTGGTAAGTGGCATTGGTGGATGGTGTCGTTGGGCTGGTGTTGCTGCTGG-3'
Protein context (NP_000494.2, residues 251-271): STNATYQLQE[Pro261Leu]PSGITSQAVT